The following is an entry in ClinVar:

ClinVar aggregate classification (germline): Conflicting classifications of pathogenicity. Review status: criteria provided, conflicting classifications (1 of 4 stars). 5 submissions from 5 submitters: Uncertain significance (3); Benign (1); Likely benign (1). Last evaluated 2025-10-26.

Conditions:
Inborn genetic diseases. Identifiers: MedGen C0950123, MeSH D030342.
Idiopathic generalized epilepsy. Also called: Generalised epilepsy; EIG. Identifiers: MedGen C0270850, MONDO:0005579, OMIM 600669.
Hyperaldosteronism, familial, type IV (HALD4). Also called: FH IV; ALDOSTERONISM, PRIMARY, AND HYPERTENSION. Identifiers: Orphanet 642671, MedGen C4310756, MONDO:0014875, OMIM 617027.
Epilepsy, childhood absence, susceptibility to, 6. Identifiers: Orphanet 64280, MedGen C2749872, MONDO:0012763, OMIM 611942.

Allele frequency attached by ClinVar (database versions not stated): gnomAD exomes 0.00007; ESP Exome Variant Server 0.00010; TOPMed 0.00012.
gnomAD v4.1: 309 of 1,559,208 alleles (0.02%); highest among the groups gnomAD compares: Non-Finnish European, 0.025%; no homozygotes.

Submissions (5):

Labcorp Genetics (formerly Invitae), Labcorp
Classification: Benign for Idiopathic generalized epilepsy; Hyperaldosteronism, familial, type IV. Last evaluated: 2025-10-26. Review status: criteria provided, single submitter. Criteria: Invitae Variant Classification Sherloc (09022015). Collection method: clinical testing. Allele origin: germline.

Women's Health and Genetics/Laboratory Corporation of America, LabCorp
Classification: Likely benign. Last evaluated: 2025-05-06. Review status: criteria provided, single submitter. Criteria: LabCorp Variant Classification Summary - May 2015. Collection method: clinical testing. Allele origin: germline.
Comment: Variant summary: CACNA1H c.6385G>A (p.Glu2129Lys) results in a conservative amino acid change in the encoded protein sequence. Algorithms developed to predict the effect of missense changes on protein structure and function are either unavailable or do not agree on the potential impact of this missense change. The variant allele was found at a frequency of 7.1e-05 in 183136 control chromosomes, predominantly at a frequency of 0.00014 within the Non-Finnish European subpopulation in the gnomAD database. This frequency is not significantly higher than estimated for a pathogenic variant in CACNA1H causing Idiopathic Generalized Epilepsy, allowing no conclusion about variant significance. In gnomAD v4, this variant was found 309 heterozygotes in 1559208 control chromosomes. To our knowledge, no occurrence of c.6385G>A in individuals affected with Idiopathic Generalized Epilepsy and no experimental evidence demonstrating its impact on protein function have been reported. ClinVar contains an entry for this variant (Variation ID: 939349). Based on the evidence outlined above, the variant was classified as likely benign.

Department of Pathology and Laboratory Medicine, Sinai Health System
Classification: Uncertain significance for hyperaldosteronism, familial, type IV. Last evaluated: 2022-06-01. Review status: criteria provided, single submitter. Criteria: ACMG Guidelines, 2015. Collection method: research. Allele origin: germline.

Fulgent Genetics
Classification: Uncertain significance for Epilepsy, childhood absence, susceptibility to, 6; Hyperaldosteronism, familial, type IV. Last evaluated: 2022-04-24. Review status: criteria provided, single submitter. Criteria: ACMG Guidelines, 2015. Collection method: clinical testing. Allele origin: unknown.

Ambry Genetics
Classification: Uncertain significance for Inborn genetic diseases. Last evaluated: 2021-07-14. Review status: criteria provided, single submitter. Criteria: Ambry Variant Classification Scheme 2023. Collection method: clinical testing. Allele origin: germline.

NM_021098.3(CACNA1H):c.6385G>A (p.Glu2129Lys)

Gene: CACNA1H (calcium voltage-gated channel subunit alpha1 H; plus strand). Cytogenetic location: 16p13.3.
Variant type: single nucleotide variant.
Coding change: c.6385G>A on transcript NM_021098.3 (MANE Select); coding-DNA position 6385, G replaced by A.
Protein change: p.Glu2129Lys; replaces glutamic acid 2129 with lysine.
Molecular consequence: missense variant.
Genome position (GRCh38, 1-based): chr16:1,220,317, G>A. VCF-style: chr16-1220317-G-A. GRCh37 (hg19) VCF-style: chr16-1270317-G-A.
Other names: c.6367G>A, p.Glu2123Lys (NM_001005407.2); short protein forms E2123K, E2129K.
Identifiers: ClinVar variation 939349 (VCV000939349.13), dbSNP rs369185359, ClinGen allele CA7802340.
Genomic context (GRCh38, chr16:1,220,317, plus strand): 5'-TGCCCCTGGCAGCCCACAGCCGAGCCCCATGGCCCCGAAGCCTCTCCGGTGGCCGGCGGC[G>A]AGCGGGACCTGCGCAGGCTCTACAGCGTGGATGCTCAGGGCTTCCTGGACAAGCCGGGCC-3'
Protein context (NP_066921.2, residues 2119-2139): GPEASPVAGG[Glu2129Lys]RDLRRLYSVD